The following is an entry in ClinVar:

NM_001458.5(FLNC):c.5770G>A (p.Gly1924Arg)

Genes: FLNC (filamin C; plus strand), FLNC-AS1 (FLNC antisense RNA 1; minus strand). Cytogenetic location: 7q32.1.
Variant type: single nucleotide variant.
Coding change: c.5770G>A on transcript NM_001458.5 (MANE Select); coding-DNA position 5770, G replaced by A.
Protein change: p.Gly1924Arg; replaces glycine 1924 with arginine.
Molecular consequence: missense variant.
Genome position (GRCh38, 1-based): chr7:128,851,556, G>A. VCF-style: chr7-128851556-G-A. GRCh37 (hg19) VCF-style: chr7-128491610-G-A.
Other names: c.5671G>A, p.Gly1891Arg (NM_001127487.2); short protein forms G1891R, G1924R.
Identifiers: ClinVar variation 654499 (VCV000654499.14), dbSNP rs1585166739, ClinGen allele CA369208373.

ClinVar aggregate classification (germline): Uncertain significance. Review status: criteria provided, multiple submitters, no conflicts (2 of 4 stars). 3 submissions from 3 submitters: Uncertain significance (3). Last evaluated 2026-03-01.

Conditions:
Hypertrophic cardiomyopathy 26. Also called: Cardiomyopathy, familial hypertrophic, 26. Identifiers: Orphanet 75249, MedGen C4310749, MONDO:0014883, OMIM 617047.
Myofibrillar myopathy 5. Also called: Filaminopathy (type); FILAMINOPATHY, AUTOSOMAL DOMINANT. Identifiers: Orphanet 171445, MedGen C1836050, MONDO:0012289, OMIM 609524.
Distal myopathy with posterior leg and anterior hand involvement. Also called: WILLIAMS DISTAL MYOPATHY. Identifiers: Orphanet 63273, MedGen C3279722, MONDO:0013550, OMIM 614065.
Cardiovascular phenotype. Identifiers: MedGen CN230736.

Submissions (3):

CeGaT Center for Human Genetics Tuebingen
Classification: Uncertain significance. Last evaluated: 2026-03-01. Review status: criteria provided, single submitter. Criteria: CeGaT Center For Human Genetics Tuebingen Variant Classification Criteria Version 2. Collection method: clinical testing. Allele origin: germline. Affected: yes. Observed: 1 variant allele.
Comment: FLNC: PM2, PP3

Labcorp Genetics (formerly Invitae), Labcorp
Classification: Uncertain significance for Distal myopathy with posterior leg and anterior hand involvement; Myofibrillar myopathy 5; Hypertrophic cardiomyopathy 26. Last evaluated: 2025-10-13. Review status: criteria provided, single submitter. Criteria: Invitae Variant Classification Sherloc (09022015). Collection method: clinical testing. Allele origin: germline.
Comment: This sequence change replaces glycine, which is neutral and non-polar, with arginine, which is basic and polar, at codon 1924 of the FLNC protein (p.Gly1924Arg). This variant is not present in population databases (gnomAD no frequency). This variant has not been reported in the literature in individuals affected with FLNC-related conditions. ClinVar contains an entry for this variant (Variation ID: 654499). Invitae Evidence Modeling of protein sequence and biophysical properties (such as structural, functional, and spatial information, amino acid conservation, physicochemical variation, residue mobility, and thermodynamic stability) has been performed for this missense variant. However, the output from this modeling did not meet the statistical confidence thresholds required to predict the impact of this variant on FLNC protein function. In summary, the available evidence is currently insufficient to determine the role of this variant in disease. Therefore, it has been classified as a Variant of Uncertain Significance.

Ambry Genetics
Classification: Uncertain significance for Cardiovascular phenotype. Last evaluated: 2025-06-16. Review status: criteria provided, single submitter. Criteria: Ambry Variant Classification Scheme 2023. Collection method: clinical testing. Allele origin: germline.
Comment: The p.G1924R variant (also known as c.5770G>A), located in coding exon 35 of the FLNC gene, results from a G to A substitution at nucleotide position 5770. The glycine at codon 1924 is replaced by arginine, an amino acid with dissimilar properties. This amino acid position is highly conserved in available vertebrate species. In addition, this alteration is predicted to be deleterious by in silico analysis. Since supporting evidence is limited at this time, the clinical significance of this alteration remains unclear.